The following is an entry in ClinVar:

ClinVar aggregate classification (germline): Pathogenic (1 of 4 stars; one submission).

Conditions:
Hereditary cancer-predisposing syndrome. Also called: Neoplastic Syndromes, Hereditary; Hereditary Cancer Syndrome; Hereditary neoplastic syndrome; Tumor predisposition. Identifiers: Orphanet 140162, MedGen C0027672, MeSH D009386, MONDO:0015356.

Submission:

Ambry Genetics
Classification: Pathogenic for Hereditary cancer-predisposing syndrome. Last evaluated: 2023-06-13. Review status: criteria provided, single submitter. Criteria: Ambry Variant Classification Scheme 2023. Collection method: clinical testing. Allele origin: germline.
Comment: The c.1059_1060insA pathogenic mutation, located in coding exon 9 of the CHEK2 gene, results from an insertion of one nucleotide at position 1059, causing a translational frameshift with a predicted alternate stop codon (p.L354Ifs*15). This variant is considered to be rare based on population cohorts in the Genome Aggregation Database (gnomAD). This alteration is expected to result in loss of function by premature protein truncation or nonsense-mediated mRNA decay. As such, this alteration is interpreted as a disease-causing mutation.

NM_007194.4(CHEK2):c.1059_1060insA (p.Leu354fs)

Gene: CHEK2 (checkpoint kinase 2; minus strand). Cytogenetic location: 22q12.1.
Variant type: Insertion.
Coding change: c.1059_1060insA on transcript NM_007194.4 (MANE Select); coding-DNA positions 1059 to 1060, A inserted.
Protein change: p.Leu354fs; shifts the reading frame from leucine 354.
Molecular consequence: frameshift variant. On other transcripts: intron variant (3).
Genome position: GRCh38 VCF-style: chr22-28696936-A-AT. GRCh37 (hg19) VCF-style: chr22-29092924-A-AT.
Other names: c.1188_1189insA, p.Leu397fs (NM_001005735.3); c.396_397insA, p.Leu133fs (NM_001257387.3, NM_001437942.1); c.858_859insA, p.Leu287fs (NM_001349956.3); c.1152_1153insA, p.Leu385fs (NM_001438293.1); c.1009-1064_1009-1063insA (NM_145862.3); c.1102-1064_1102-1063insA (NM_001438295.1); c.1138-1064_1138-1063insA (NM_001438294.1); short protein forms L133fs, L287fs, L397fs, L354fs, L385fs.
Identifiers: ClinVar variation 2566546 (VCV002566546.2), dbSNP rs2517821333, ClinGen allele CA2580615279.
Genomic context (GRCh38, chr22:28,696,936, plus strand): 5'-CACATACAGAATGCCAATTTCTTACCTTTATAAGACAGTCCTCTTCTTGAGATGACAGTA[A>AT]AACATTCTCTGGCTTTAAGTCACGGTGTATAATACCGTTTTCATGAAGGTACTACACAGA-3'